The following is an entry in ClinVar:

NM_080605.4(B3GALT6):c.683T>G (p.Leu228Arg)

Gene: B3GALT6 (beta-1,3-galactosyltransferase 6; plus strand). Cytogenetic location: 1p36.33.
Variant type: single nucleotide variant.
Coding change: c.683T>G on transcript NM_080605.4 (MANE Select); coding-DNA position 683, T replaced by G.
Protein change: p.Leu228Arg; replaces leucine 228 with arginine.
Molecular consequence: missense variant.
Genome position (GRCh38, 1-based): chr1:1,232,961, T>G. VCF-style: chr1-1232961-T-G. GRCh37 (hg19) VCF-style: chr1-1168341-T-G.
Other names: short protein forms L228R.
Identifiers: ClinVar variation 2095051 (VCV002095051.4), dbSNP rs2100994407, ClinGen allele CA337828415.

ClinVar aggregate classification (germline): Uncertain significance (1 of 4 stars; one submission).

Conditions:
Ehlers-Danlos syndrome, spondylodysplastic type, 2 (EDSSPD2). Also called: Ehlers-Danlos syndrome, progeroid type, 2. Identifiers: Orphanet 536467, Orphanet 75496, MedGen C3809210, MONDO:0014139, OMIM 615349.
Spondyloepimetaphyseal dysplasia with joint laxity (SEMDJL). Identifiers: MedGen C0432243, MONDO:0019675.

Submission:

Labcorp Genetics (formerly Invitae), Labcorp
Classification: Uncertain significance for Ehlers-Danlos syndrome, spondylodysplastic type, 2; Spondyloepimetaphyseal dysplasia with joint laxity. Last evaluated: 2022-02-08. Review status: criteria provided, single submitter. Criteria: Invitae Variant Classification Sherloc (09022015). Collection method: clinical testing. Allele origin: germline.
Comment: In summary, the available evidence is currently insufficient to determine the role of this variant in disease. Therefore, it has been classified as a Variant of Uncertain Significance. Algorithms developed to predict the effect of missense changes on protein structure and function (SIFT, PolyPhen-2, Align-GVGD) all suggest that this variant is likely to be disruptive. This variant has not been reported in the literature in individuals affected with B3GALT6-related conditions. This variant is not present in population databases (gnomAD no frequency). This sequence change replaces leucine, which is neutral and non-polar, with arginine, which is basic and polar, at codon 228 of the B3GALT6 protein (p.Leu228Arg).